The following is an entry in ClinVar:

NM_000246.4(CIITA):c.2824del (p.Ser942fs)

Gene: CIITA (class II major histocompatibility complex transactivator; plus strand). Cytogenetic location: 16p13.13.
Variant type: Deletion.
Coding change: c.2824del on transcript NM_000246.4 (MANE Select); coding-DNA position 2824, one base deleted (A; older notation c.2824delA).
Protein change: p.Ser942fs; shifts the reading frame from serine 942.
Molecular consequence: frameshift variant. On other transcripts: non-coding transcript variant (1).
Genome position (GRCh38, 1-based): chr16:10,910,195, A deleted; the last of 2 consecutive A bases (chr16:10,910,194-10,910,195); deleting either gives the same sequence. VCF-style (leftmost placement, unchanged base first): chr16-10910193-GA-G. GRCh37 (hg19) VCF-style: chr16-11004050-GA-G.
Other names: c.2827del, p.Ser943fs (NM_001286402.1, NM_001379332.1); c.1072del, p.Ser358fs (NM_001286403.2); c.2680del, p.Ser894fs (NM_001379330.1); c.2677del, p.Ser893fs (NM_001379331.1); c.2824del, p.Ser942fs (NM_001379333.1); c.2755del, p.Ser919fs (NM_001379334.1); short protein forms S893fs, S894fs, S942fs, S943fs, S358fs, S919fs.
Identifiers: ClinVar variation 4715926 (VCV004715926.1).

ClinVar aggregate classification (germline): Pathogenic (1 of 4 stars; one submission).

Conditions:
MHC class II deficiency. Also called: BLS, TYPE II; Bare lymphocyte syndrome 2. Identifiers: Orphanet 572, MedGen C5447452, MONDO:0008855.

Submission:

Labcorp Genetics (formerly Invitae), Labcorp
Classification: Pathogenic for MHC class II deficiency. Last evaluated: 2025-03-25. Review status: criteria provided, single submitter. Criteria: Invitae Variant Classification Sherloc (09022015). Collection method: clinical testing. Allele origin: germline.
Comment: This sequence change creates a premature translational stop signal (p.Ser942Valfs*16) in the CIITA gene. It is expected to result in an absent or disrupted protein product. Loss-of-function variants in CIITA are known to be pathogenic (PMID: 8402893, 9099848, 26271388). This variant is not present in population databases (gnomAD no frequency). This variant has not been reported in the literature in individuals affected with CIITA-related conditions. For these reasons, this variant has been classified as Pathogenic.

Literature cited by the submitters: PubMed 8402893; PubMed 9099848; PubMed 26271388.